The following is an entry in ClinVar:

NM_001846.4(COL4A2):c.1776C>T (p.Pro592=)

Genes: COL4A2 (collagen type IV alpha 2 chain; plus strand), COL4A2-AS2 (COL4A2 antisense RNA 2; minus strand). Cytogenetic location: 13q34.
Variant type: single nucleotide variant.
Coding change: c.1776C>T on transcript NM_001846.4 (MANE Select); coding-DNA position 1776, C replaced by T.
Protein change: p.Pro592=; no amino-acid change (proline 592 retained).
Molecular consequence: synonymous variant.
Genome position (GRCh38, 1-based): chr13:110,462,384, C>T. VCF-style: chr13-110462384-C-T. GRCh37 (hg19) VCF-style: chr13-111114731-C-T.
Identifiers: ClinVar variation 881614 (VCV000881614.4), dbSNP rs767094122, ClinGen allele CA7049702.

ClinVar aggregate classification (germline): Likely benign (1 of 4 stars; one submission).

Conditions:
Brain small vessel disease 2A, autosomal dominant. Also called: Porencephaly 2. Identifiers: Orphanet 2940, Orphanet 99810, MedGen C3280970, MONDO:0013773, OMIM 614483.

Allele frequency attached by ClinVar (database versions not stated): ExAC 0.00004; gnomAD exomes 0.00004; TOPMed 0.00005; gnomAD 0.00007.
gnomAD v4.1: 96 of 1,612,056 alleles (0.006%); highest among the groups gnomAD compares: African/African-American, 0.013%; no homozygotes.

Submission:

Illumina Laboratory Services, Illumina
Classification: Likely benign for Brain small vessel disease 2A, autosomal dominant. Last evaluated: 2018-01-12. Review status: criteria provided, single submitter. Criteria: ICSL Variant Classification Criteria 13 December 2019. Collection method: clinical testing. Allele origin: germline.
Comment: This variant was observed in the ICSL laboratory as part of a predisposition screen in an ostensibly healthy population. It had not been previously curated by ICSL or reported in the Human Gene Mutation Database (HGMD: prior to June 1st, 2018), and was therefore a candidate for classification through an automated scoring system. Utilizing variant allele frequency, disease prevalence and penetrance estimates, and inheritance mode, an automated score was calculated to assess if this variant is too frequent to cause the disease. Based on the score and internal cut-off values, a variant classified as likely benign is not then subjected to further curation. The score for this variant resulted in a classification of likely benign for this disease.